The following is an entry in ClinVar:

ClinVar aggregate classification (germline): Pathogenic (1 of 4 stars; one submission).

Conditions:
Primary ciliary dyskinesia 3. Identifiers: Orphanet 244, MedGen C1837618, MONDO:0012085, OMIM 608644.

Submission:

Myriad Genetics, Inc.
Classification: Pathogenic for Primary ciliary dyskinesia 3. Last evaluated: 2024-05-14. Review status: criteria provided, single submitter. Criteria: Myriad Autosomal Dominant, Autosomal Recessive and X-Linked Classification Criteria (2023). Collection method: clinical testing. Allele origin: unknown.
Comment: NM_001369.2(DNAH5):c.11512_11513ins13(E3838Vfs*2) is expected to be pathogenic in the context of primary ciliary dyskinesia, DNAH5-related. This variant is predicted to lead to an abnormal or absent protein product due to the creation of a premature termination codon in DNAH5, a gene where loss-of-function variants are known to be pathogenic. Please note: this variant was assessed in the context of healthy population screening.

NM_001369.3(DNAH5):c.11512_11513insTATAAGAGACAGT (p.Glu3838delinsValTer)

Gene: DNAH5 (dynein axonemal heavy chain 5; minus strand). Cytogenetic location: 5p15.2.
Variant type: Insertion.
Coding change: c.11512_11513insTATAAGAGACAGT on transcript NM_001369.3 (MANE Select); coding-DNA positions 11512 to 11513, TATAAGAGACAGT inserted.
Protein change: p.Glu3838delinsValTer.
Molecular consequence: nonsense.
Genome position: GRCh38 VCF-style: chr5-13735875-T-TACTGTCTCTTATA. GRCh37 (hg19) VCF-style: chr5-13735984-T-TACTGTCTCTTATA.
Identifiers: ClinVar variation 5011224 (VCV005011224.1).
Genomic context (GRCh38, chr5:13,735,875, plus strand): 5'-TACCTGGCTAAGGAAAGGTCAAATAAGCCCAGAAACTGGCGAAGCGAAGTCTGATACATC[T>TACTGTCTCTTATA]CATTAACCAAGCGCATCTCAGTAATGAGGAAGTAGAGGATGCTGCCCCGCGTAGCCACTG-3'